The following is an entry in ClinVar:

ClinVar aggregate classification (germline): Uncertain significance (1 of 4 stars; one submission).

Allele frequency attached by ClinVar (database versions not stated): TOPMed 0.00003; ESP Exome Variant Server 0.00008; ExAC 0.00002; gnomAD exomes below 0.00001; gnomAD 0.00003.
gnomAD v4.1: 6 of 1,614,046 alleles (0.00037%); highest among the groups gnomAD compares: African/African-American, 0.0067%; no homozygotes.

Submission:

Labcorp Genetics (formerly Invitae), Labcorp
Classification: Uncertain significance. Last evaluated: 2025-02-24. Review status: criteria provided, single submitter. Criteria: Invitae Variant Classification Sherloc (09022015). Collection method: clinical testing. Allele origin: germline.
Comment: This sequence change replaces phenylalanine, which is neutral and non-polar, with leucine, which is neutral and non-polar, at codon 426 of the LBR protein (p.Phe426Leu). This variant is present in population databases (rs139059920, gnomAD 0.008%). This variant has not been reported in the literature in individuals affected with LBR-related conditions. ClinVar contains an entry for this variant (Variation ID: 3017111). Invitae Evidence Modeling of protein sequence and biophysical properties (such as structural, functional, and spatial information, amino acid conservation, physicochemical variation, residue mobility, and thermodynamic stability) indicates that this missense variant is not expected to disrupt LBR protein function with a negative predictive value of 80%. In summary, the available evidence is currently insufficient to determine the role of this variant in disease. Therefore, it has been classified as a Variant of Uncertain Significance.

NM_002296.4(LBR):c.1278C>G (p.Phe426Leu)

Gene: LBR (lamin B receptor; minus strand). Cytogenetic location: 1q42.12.
Variant type: single nucleotide variant.
Coding change: c.1278C>G on transcript NM_002296.4 (MANE Select); coding-DNA position 1278, C replaced by G.
Protein change: p.Phe426Leu; replaces phenylalanine 426 with leucine.
Molecular consequence: missense variant.
Genome position (GRCh38, 1-based): chr1:225,410,327, G>C on the plus strand (C>G on the coding strand, the complement: LBR is on the minus strand). VCF-style: chr1-225410327-G-C. GRCh37 (hg19) VCF-style: chr1-225598029-G-C.
Other names: c.1278C>G, p.Phe426Leu (NM_194442.3); short protein forms F426L.
Identifiers: ClinVar variation 3017111 (VCV003017111.3), dbSNP rs139059920, ClinGen allele CA1417191.